The following is an entry in ClinVar:

ClinVar aggregate classification (germline): Uncertain significance (1 of 4 stars; one submission).

Submission:

Ambry Genetics
Classification: Uncertain significance. Last evaluated: 2024-11-21. Review status: criteria provided, single submitter. Criteria: Ambry Variant Classification Scheme 2023. Collection method: clinical testing. Allele origin: germline.
Comment: The p.M199V variant (also known as c.595A>G), located in coding exon 1 of the MC1R gene, results from an A to G substitution at nucleotide position 595. The methionine at codon 199 is replaced by valine, an amino acid with highly similar properties. This amino acid position is conserved. In addition, this alteration is predicted to be tolerated by in silico analysis. Based on the available evidence, the clinical significance of this variant remains unclear.

NM_002386.4(MC1R):c.595A>G (p.Met199Val)

Gene: MC1R (melanocortin 1 receptor; plus strand). Cytogenetic location: 16q24.3.
Variant type: single nucleotide variant.
Coding change: c.595A>G on transcript NM_002386.4 (MANE Select); coding-DNA position 595, A replaced by G.
Protein change: p.Met199Val; replaces methionine 199 with valine.
Molecular consequence: missense variant.
Genome position (GRCh38, 1-based): chr16:89,919,853, A>G. VCF-style: chr16-89919853-A-G. GRCh37 (hg19) VCF-style: chr16-89986261-A-G.
Other names: short protein forms M199V.
Identifiers: ClinVar variation 3543956 (VCV003543956.1).
Genomic context (GRCh38, chr16:89,919,853, plus strand): 5'-TTCATCGCCTACTACGACCACGTGGCCGTCCTGCTGTGCCTCGTGGTCTTCTTCCTGGCT[A>G]TGCTGGTGCTCATGGCCGTGCTGTACGTCCACATGCTGGCCCGGGCCTGCCAGCACGCCC-3'
Protein context (NP_002377.4, residues 189-209): LLCLVVFFLA[Met199Val]LVLMAVLYVH